The following is an entry in ClinVar:

ClinVar aggregate classification (germline): Conflicting classifications of pathogenicity. Review status: criteria provided, conflicting classifications (1 of 4 stars). 2 submissions from 2 submitters: Uncertain significance (1); Likely benign (1). Last evaluated 2025-08-31.

Conditions:
Familial cancer of breast. Also called: BREAST CANCER, FAMILIAL; Hereditary breast cancer; hereditary breast carcinoma. Identifiers: Orphanet 227535, MedGen C0346153, MONDO:0016419, OMIM 114480. Disease mechanism: loss of function.
Hereditary cancer-predisposing syndrome. Also called: Tumor predisposition; Hereditary Cancer Syndrome; Neoplastic Syndromes, Hereditary; Hereditary neoplastic syndrome. Identifiers: Orphanet 140162, MedGen C0027672, MeSH D009386, MONDO:0015356.

Allele frequency attached by ClinVar (database versions not stated): gnomAD exomes below 0.00001.
gnomAD v4.1: 1 of 1,614,066 alleles (0.000062%); highest among the groups gnomAD compares: Non-Finnish European, 0.000085%; no homozygotes.

Submissions (2):

Labcorp Genetics (formerly Invitae), Labcorp
Classification: Uncertain significance for Familial cancer of breast. Last evaluated: 2025-08-31. Review status: criteria provided, single submitter. Criteria: Invitae Variant Classification Sherloc (09022015). Collection method: clinical testing. Allele origin: germline.
Comment: This sequence change replaces valine, which is neutral and non-polar, with methionine, which is neutral and non-polar, at codon 352 of the BARD1 protein (p.Val352Met). This variant is not present in population databases (gnomAD no frequency). This variant has not been reported in the literature in individuals affected with BARD1-related conditions. ClinVar contains an entry for this variant (Variation ID: 822089). An algorithm developed to predict the effect of missense changes on protein structure and function outputs the following: PolyPhen-2: "Benign". The methionine amino acid residue is found in multiple mammalian species, which suggests that this missense change does not adversely affect protein function. In summary, the available evidence is currently insufficient to determine the role of this variant in disease. Therefore, it has been classified as a Variant of Uncertain Significance.

Ambry Genetics
Classification: Likely benign for Hereditary cancer-predisposing syndrome. Last evaluated: 2019-04-25. Review status: criteria provided, single submitter. Criteria: Ambry Variant Classification Scheme 2023. Collection method: clinical testing. Allele origin: germline.

NM_000465.4(BARD1):c.1054G>A (p.Val352Met)

Gene: BARD1 (BRCA1 associated RING domain 1; minus strand). Cytogenetic location: 2q35.
Variant type: single nucleotide variant.
Coding change: c.1054G>A on transcript NM_000465.4 (MANE Select); coding-DNA position 1054, G replaced by A.
Protein change: p.Val352Met; replaces valine 352 with methionine.
Molecular consequence: missense variant. On other transcripts: non-coding transcript variant (2), intron variant (3).
Genome position (GRCh38, 1-based): chr2:214,780,820, C>T on the plus strand (G>A on the coding strand, the complement: BARD1 is on the minus strand). VCF-style: chr2-214780820-C-T. GRCh37 (hg19) VCF-style: chr2-215645544-C-T.
Other names: c.997G>A, p.Val333Met (NM_001282543.2); c.159-28265G>A (NM_001282548.2); c.215+16241G>A (NM_001282545.2); c.364+11477G>A (NM_001282549.2); short protein forms V333M, V352M.
Identifiers: ClinVar variation 822089 (VCV000822089.6), dbSNP rs587782475, ClinGen allele CA64788270.